The following is an entry in ClinVar:

NM_001101.5(ACTB):c.822C>A (p.Ile274=)

Gene: ACTB (actin beta; minus strand). Cytogenetic location: 7p22.1.
Variant type: single nucleotide variant.
Coding change: c.822C>A on transcript NM_001101.5 (MANE Select); coding-DNA position 822, C replaced by A.
Protein change: p.Ile274=; no amino-acid change (isoleucine 274 retained).
Molecular consequence: synonymous variant.
Genome position (GRCh38, 1-based): chr7:5,528,166, G>T on the plus strand (C>A on the coding strand, the complement: ACTB is on the minus strand). VCF-style: chr7-5528166-G-T. GRCh37 (hg19) VCF-style: chr7-5567797-G-T.
Identifiers: ClinVar variation 699688 (VCV000699688.37), dbSNP rs377390140, ClinGen allele CA4146908.

ClinVar aggregate classification (germline): Benign/Likely benign. Review status: criteria provided, multiple submitters, no conflicts (2 of 4 stars). 5 submissions from 4 submitters: Benign (4); Likely benign (1). Last evaluated 2026-01-15.

Conditions:
Baraitser-Winter syndrome 1 (BRWS1). Also called: BARAITSER-WINTER SYNDROME 1, ATYPICAL; Cerebrofrontofacial syndrome; PACHYGYRIA, MENTAL RETARDATION, EPILEPSY, AND CHARACTERISTIC FACIES; MENTAL RETARDATION WITH EPILEPSY AND CHARACTERISTIC FACIES. Identifiers: Orphanet 2649, Orphanet 2995, MedGen C1855722, MONDO:0009470, OMIM 243310.
Developmental malformations-deafness-dystonia syndrome (DDS1). Identifiers: Orphanet 79107, MedGen C5848323, MONDO:0011823, OMIM 607371.

Allele frequency attached by ClinVar (database versions not stated): TOPMed 0.00022; ESP Exome Variant Server 0.00023; gnomAD 0.00029; 1000 Genomes Project 0.00080; 1000 Genomes Project 30x 0.00094.
gnomAD v4.1: 64 of 1,614,216 alleles (0.004%); highest among the groups gnomAD compares: African/African-American, 0.079%; no homozygotes.

Submissions (5):

Labcorp Genetics (formerly Invitae), Labcorp
Classification: Benign for Baraitser-Winter syndrome 1. Last evaluated: 2026-01-15. Review status: criteria provided, single submitter. Criteria: Invitae Variant Classification Sherloc (09022015). Collection method: clinical testing. Allele origin: germline.

CeGaT Center for Human Genetics Tuebingen
Classification: Likely benign. Last evaluated: 2023-05-01. Review status: criteria provided, single submitter. Criteria: CeGaT Center For Human Genetics Tuebingen Variant Classification Criteria Version 2. Collection method: clinical testing. Allele origin: germline. Affected: yes. Observed: 1 variant allele.
Comment: ACTB: BP4, BP7

Genome-Nilou Lab
Classification: Benign for Baraitser-Winter syndrome 1. Last evaluated: 2021-12-05. Review status: criteria provided, single submitter. Criteria: ACMG Guidelines, 2015. Collection method: clinical testing. Allele origin: germline. Affected: no.

Genome-Nilou Lab
Classification: Benign for Developmental malformations-deafness-dystonia syndrome. Last evaluated: 2021-12-05. Review status: criteria provided, single submitter. Criteria: ACMG Guidelines, 2015. Collection method: clinical testing. Allele origin: germline. Affected: no.

GeneDx
Classification: Benign. Last evaluated: 2020-08-25. Review status: criteria provided, single submitter. Criteria: GeneDx Variant Classification Process June 2021. Collection method: clinical testing. Allele origin: germline. Affected: yes.